The following is an entry in ClinVar:

ClinVar aggregate classification (germline): Likely pathogenic (1 of 4 stars; one submission).

Conditions:
BTK-related disorder. Also called: BTK-related condition.

Submissions (2):

PreventionGenetics, part of Exact Sciences
Classification: Likely pathogenic for BTK-related condition. Last evaluated: 2024-11-04. Review status: criteria provided, single submitter. Criteria: ACMG Guidelines, 2015. Collection method: clinical testing. Allele origin: germline.
Comment: The BTK c.392-2A>G variant is predicted to disrupt the AG splice acceptor site and interfere with normal splicing. In the literature, this variant is also referred to as c.494-2A>G via NM_001287344. This variant has been reported as pathogenic in the hemizygous state in an individual with a suspected primary immunodeficiency (additional details were not provided, see Supplementary Table 2, Patient 51, Platt et al. 2020. PubMed ID: 32888943). This variant has also been reported in an least one individual with X-linked agammaglobulinemia and neutropenia (Farrar et al. 1996. PubMed ID: 8938104; Conley et al. 1998. PubMed ID: 9545398). This variant has not been reported in a large population database (gnomAD), indicating this variant is rare. Variants that disrupt the consensus splice acceptor site in BTK are expected to be pathogenic. This variant is interpreted as likely pathogenic.

Dr. Peter K. Rogan Lab, Western University
No classification provided (evidence only). Condition: Thyroid cancer, nonmedullary, 1. Review status: no classification provided. Collection method: in vitro. Allele origin: not applicable. Functional consequence: skipped exon. Not counted in ClinVar's aggregate classification.

NM_000061.3(BTK):c.392-2A>G

Gene: BTK (Bruton tyrosine kinase; minus strand). Cytogenetic location: Xq22.1.
Variant type: single nucleotide variant.
Coding change: c.392-2A>G on transcript NM_000061.3 (MANE Select); the canonical splice acceptor site of the intron before coding-DNA position 392, A replaced by G.
Molecular consequence: splice acceptor variant.
Genome position (GRCh38, 1-based): chrX:101,362,691, T>C on the plus strand (A>G on the coding strand, the complement: BTK is on the minus strand). VCF-style: chrX-101362691-T-C. GRCh37 (hg19) VCF-style: chrX-100617679-T-C.
Other names: NC_000023.10:g.100617679T>C; c.494-2A>G (NM_001287344.2); c.392-2A>G (NM_001287345.2, NM_000061.2).
Identifiers: ClinVar variation 4461108 (VCV004461108.2).
Genomic context (GRCh38, chrX:101,362,691, plus strand): 5'-CCCATCGATCCAGAAGCAAGGGTGATATTTCTGAACCAGATCACTGTTGTACCGGATTAC[T>C]GTAGCAGGAAAGAAGAGAGAGATCACATCTGACATGGAGGAGAAGCCACCATTTGCATGT-3'